The following is an entry in ClinVar:

NC_000009.11:g.(?_101594034)_(101594259_?)del

Gene: GALNT12 (polypeptide N-acetylgalactosaminyltransferase 12; plus strand). Cytogenetic location: 9q22.33.
Variant type: Deletion.
Identifiers: ClinVar variation 3245368 (VCV003245368.1).

ClinVar aggregate classification (germline): Uncertain significance (1 of 4 stars; one submission).

Submission:

Labcorp Genetics (formerly Invitae), Labcorp
Classification: Uncertain significance. Last evaluated: 2022-06-08. Review status: criteria provided, single submitter. Criteria: Invitae Variant Classification Sherloc (09022015). Collection method: clinical testing. Allele origin: unknown.
Comment: In summary, the available evidence is currently insufficient to determine the role of this variant in disease. Therefore, it has been classified as a Variant of Uncertain Significance. Experimental studies and prediction algorithms are not available or were not evaluated, and the functional significance of this variant is currently unknown. This variant has not been reported in the literature in individuals affected with GALNT12-related conditions. This variant is a gross deletion of the genomic region encompassing exon(s) 4 of the GALNT12 gene. This variant would be expected to be in-frame, preserving the integrity of the reading frame.